The following is an entry in ClinVar:

ClinVar aggregate classification (germline): Likely pathogenic (1 of 4 stars; one submission).

Conditions:
Fabry disease. Also called: ALPHA-GALACTOSIDASE A DEFICIENCY; ANDERSON-FABRY DISEASE; CERAMIDE TRIHEXOSIDASE DEFICIENCY; GLA DEFICIENCY; HEREDITARY DYSTOPIC LIPIDOSIS; Angiokeratoma corporis diffusum. Identifiers: Orphanet 324, MedGen C0002986, MONDO:0010526, OMIM 301500, HP:0001071. Disease mechanism: Fabry disease is due to inactivating mutations in the X-linked GLA gene resulting in deficiency of the enzyme Alpha Galactosidase-A., loss of function.

gnomAD v4.1: 1 of 1,211,477 alleles (0.000083%); highest among the groups gnomAD compares: East Asian, 0.003%; no homozygotes.

Submission:

Genomenon, Inc
Classification: Likely pathogenic for Fabry disease. Last evaluated: 2026-09-08. Review status: criteria provided, single submitter. Criteria: Genomenon Sequence Variant Interpretation Standards - Updated. Collection method: curation. Allele origin: germline. Affected: yes.
Comment: GLA p.Lys391Glu (c.1171A>G) is a missense variant that changes the amino acid at codon 391 from Lysine to Glutamic acid. This variant has been observed in at least one proband with clinical features consistent with Fabry disease (PMID:29543226;40823509;27593536). The variant was found to segregate with disease in at least one affected family (PMID:40823509;27593536). Functional or patient cell studies have been reported (PMID:29543226;31956509;34205365;27593536;33016649). It is absent or not present at a significant frequency in gnomAD. In conclusion, we classify GLA p.Lys391Glu (c.1171A>G) as a likely pathogenic variant.

Literature cited by the submitters: PubMed 29543226; PubMed 40823509; PubMed 27593536; PubMed 31956509; PubMed 34205365; PubMed 33016649.

NM_000169.3(GLA):c.1171A>G (p.Lys391Glu)

Genes: GLA (galactosidase alpha; minus strand), RPL36A-HNRNPH2 (RPL36A-HNRNPH2 readthrough; plus strand). Cytogenetic location: Xq22.1.
Variant type: single nucleotide variant.
Coding change: c.1171A>G on transcript NM_000169.3 (MANE Select); coding-DNA position 1171, A replaced by G.
Protein change: p.Lys391Glu; replaces lysine 391 with glutamic acid.
Molecular consequence: missense variant. On other transcripts: non-coding transcript variant (3), intron variant (2).
Genome position (GRCh38, 1-based): chrX:101,397,928, T>C on the plus strand (A>G on the coding strand, the complement: GLA is on the minus strand). VCF-style: chrX-101397928-T-C. GRCh37 (hg19) VCF-style: chrX-100652916-T-C.
Other names: c.1294A>G, p.Lys432Glu (NM_001406747.1); c.300+2471T>C (NM_001199973.2); c.177+6106T>C (NM_001199974.2); short protein forms K391E, K432E.
Identifiers: ClinVar variation 4087653 (VCV004087653.3).